The following is an entry in ClinVar:

ClinVar aggregate classification (germline): Uncertain significance (1 of 4 stars; one submission).

Submission:

GeneDx
Classification: Uncertain significance. Last evaluated: 2023-10-31. Review status: criteria provided, single submitter. Criteria: GeneDx Variant Classification Process June 2021. Collection method: clinical testing. Allele origin: germline. Affected: yes.
Comment: Not observed at significant frequency in large population cohorts (gnomAD); In silico analysis supports that this missense variant does not alter protein structure/function; Has not been previously published as pathogenic or benign to our knowledge

NM_001348768.2(HECW2):c.553G>T (p.Val185Phe)

Gene: HECW2 (HECT, C2 and WW domain containing E3 ubiquitin protein ligase 2; minus strand). Cytogenetic location: 2q32.3.
Variant type: single nucleotide variant.
Coding change: c.553G>T on transcript NM_001348768.2 (MANE Select); coding-DNA position 553, G replaced by T.
Protein change: p.Val185Phe; replaces valine 185 with phenylalanine.
Molecular consequence: missense variant. On other transcripts: 5 prime UTR variant (1).
Genome position (GRCh38, 1-based): chr2:196,329,593, C>A on the plus strand (G>T on the coding strand, the complement: HECW2 is on the minus strand). VCF-style: chr2-196329593-C-A. GRCh37 (hg19) VCF-style: chr2-197194317-C-A.
Other names: c.-344G>T (NM_001304840.3); c.553G>T, p.Val185Phe (NM_020760.4); short protein forms V185F.
Identifiers: ClinVar variation 3363608 (VCV003363608.1).